The following is an entry in ClinVar:

ClinVar aggregate classification (germline): Uncertain significance. Review status: criteria provided, multiple submitters, no conflicts (2 of 4 stars). 2 submissions from 2 submitters: Uncertain significance (2). Last evaluated 2022-10-13.

Conditions:
Combined oxidative phosphorylation defect type 26 (PNSED). Also called: Combined oxidative phosphorylation deficiency 26; PERIPHERAL NEUROPATHY WITH VARIABLE SPASTICITY, EXERCISE INTOLERANCE, AND DEVELOPMENTAL DELAY. Identifiers: Orphanet 477684, MedGen C5567741, MONDO:0014684, OMIM 616539.

Allele frequency attached by ClinVar (database versions not stated): gnomAD exomes below 0.00001.
gnomAD v4.1: 2 of 1,613,912 alleles (0.00012%); highest among the groups gnomAD compares: Admixed American, 0.0017%; no homozygotes.

Submissions (2):

Labcorp Genetics (formerly Invitae), Labcorp
Classification: Uncertain significance. Last evaluated: 2022-10-13. Review status: criteria provided, single submitter. Criteria: Invitae Variant Classification Sherloc (09022015). Collection method: clinical testing. Allele origin: germline.
Comment: In summary, the available evidence is currently insufficient to determine the role of this variant in disease. Therefore, it has been classified as a Variant of Uncertain Significance. Algorithms developed to predict the effect of missense changes on protein structure and function output the following: SIFT: "Tolerated"; PolyPhen-2: "Benign"; Align-GVGD: "Class C0". The leucine amino acid residue is found in multiple mammalian species, which suggests that this missense change does not adversely affect protein function. ClinVar contains an entry for this variant (Variation ID: 1032859). This variant has not been reported in the literature in individuals affected with TRMT5-related conditions. This variant is present in population databases (no rsID available, gnomAD 0.003%). This sequence change replaces phenylalanine, which is neutral and non-polar, with leucine, which is neutral and non-polar, at codon 57 of the TRMT5 protein (p.Phe57Leu).

Baylor Genetics
Classification: Uncertain significance for Combined oxidative phosphorylation defect type 26. Last evaluated: 2018-12-06. Review status: criteria provided, single submitter. Criteria: ACMG Guidelines, 2015. Collection method: clinical testing. Allele origin: maternal. Affected: yes.
Comment: This variant was determined to be of uncertain significance according to ACMG Guidelines, 2015 [PMID:25741868].

NM_020810.3(TRMT5):c.171C>G (p.Phe57Leu)

Gene: TRMT5 (tRNA methyltransferase 5; minus strand). Cytogenetic location: 14q23.1.
Variant type: single nucleotide variant.
Coding change: c.171C>G on transcript NM_020810.3 (MANE Select); coding-DNA position 171, C replaced by G.
Protein change: p.Phe57Leu; replaces phenylalanine 57 with leucine.
Molecular consequence: missense variant.
Genome position (GRCh38, 1-based): chr14:60,979,727, G>C on the plus strand (C>G on the coding strand, the complement: TRMT5 is on the minus strand). VCF-style: chr14-60979727-G-C. GRCh37 (hg19) VCF-style: chr14-61446445-G-C.
Other names: c.255C>G, p.Phe85Leu (NM_001350253.1); c.252C>G, p.Phe84Leu (NM_001350254.1); short protein forms F84L, F85L, F57L.
Identifiers: ClinVar variation 1032859 (VCV001032859.6), dbSNP rs978146113, ClinGen allele CA261752689.